The following is an entry in ClinVar:

ClinVar aggregate classification (germline): Pathogenic (1 of 4 stars; one submission).

Conditions:
Mucolipidosis type II. Also called: ML II ALPHA/BETA; Mucolipidosis 2; ML 2; Inclusion cell disease; Leroy Disease; N-acetylglucosamine 1phosphotransferase deficiency. Identifiers: Orphanet 576, MedGen C2673377, MONDO:0009650, OMIM 252500.
Pseudo-Hurler polydystrophy. Also called: ML III; ML III ALPHA/BETA; Type III Mucolipidosis; ML IIIA; Mucolipidosis III Alpha/Beta; MUCOLIPIDOSIS IIIA. Identifiers: Orphanet 423461, Orphanet 577, MedGen C0033788, MONDO:0018931, OMIM 252600.

Submission:

Labcorp Genetics (formerly Invitae), Labcorp
Classification: Pathogenic for Pseudo-Hurler polydystrophy; Mucolipidosis type II. Last evaluated: 2023-04-06. Review status: criteria provided, single submitter. Criteria: Invitae Variant Classification Sherloc (09022015). Collection method: clinical testing. Allele origin: germline.
Comment: This variant is not present in population databases (gnomAD no frequency). This variant has not been reported in the literature in individuals affected with GNPTAB-related conditions. For these reasons, this variant has been classified as Pathogenic. This sequence change creates a premature translational stop signal (p.Ser472Argfs*33) in the GNPTAB gene. It is expected to result in an absent or disrupted protein product. Loss-of-function variants in GNPTAB are known to be pathogenic (PMID: 19617216, 25107912).

Literature cited by the submitters: PubMed 19617216; PubMed 25107912.

NM_024312.5(GNPTAB):c.1416_1420del (p.Ser472fs)

Gene: GNPTAB (N-acetylglucosamine-1-phosphate transferase subunits alpha and beta; minus strand). Cytogenetic location: 12q23.2.
Variant type: Deletion.
Coding change: c.1416_1420del on transcript NM_024312.5 (MANE Select); coding-DNA positions 1416 to 1420, 5 bases deleted (TGGAG; older notation c.1416_1420delTGGAG).
Protein change: p.Ser472fs; shifts the reading frame from serine 472.
Molecular consequence: frameshift variant.
Genome position (GRCh38, 1-based): chr12:101,766,283-101,766,287, CTCCA deleted on the plus strand (TGGAG on the coding strand, the reverse complement: GNPTAB is on the minus strand); deleting any 5 consecutive bases within chr12:101,766,283-101,766,289 gives the same sequence; the c. name uses the placement nearest the transcript's 3' end. VCF-style (leftmost placement, unchanged base first): chr12-101766282-CCTCCA-C. GRCh37 (hg19) VCF-style: chr12-102160060-CCTCCA-C.
Other names: short protein forms S472fs.
Identifiers: ClinVar variation 2946180 (VCV002946180.3), dbSNP rs2547958817, ClinGen allele CA2740092556.